The following is an entry in ClinVar:

ClinVar aggregate classification (germline): Uncertain significance (1 of 4 stars; one submission).

Allele frequency attached by ClinVar (database versions not stated): gnomAD exomes below 0.00001.
gnomAD v4.1: 1 of 1,613,808 alleles (0.000062%); highest among the groups gnomAD compares: Non-Finnish European, 0.000085%; no homozygotes.

Submission:

Labcorp Genetics (formerly Invitae), Labcorp
Classification: Uncertain significance. Last evaluated: 2022-11-17. Review status: criteria provided, single submitter. Criteria: Invitae Variant Classification Sherloc (09022015). Collection method: clinical testing. Allele origin: germline.
Comment: In summary, the available evidence is currently insufficient to determine the role of this variant in disease. Therefore, it has been classified as a Variant of Uncertain Significance. Algorithms developed to predict the effect of missense changes on protein structure and function are either unavailable or do not agree on the potential impact of this missense change (SIFT: "Not Available"; PolyPhen-2: "Probably Damaging"; Align-GVGD: "Not Available"). This variant has not been reported in the literature in individuals affected with JAK1-related conditions. This variant is not present in population databases (gnomAD no frequency). This sequence change replaces lysine, which is basic and polar, with arginine, which is basic and polar, at codon 345 of the JAK1 protein (p.Lys345Arg).

NM_002227.4(JAK1):c.1034A>G (p.Lys345Arg)

Gene: JAK1 (Janus kinase 1; minus strand). Cytogenetic location: 1p31.3.
Variant type: single nucleotide variant.
Coding change: c.1034A>G on transcript NM_002227.4 (MANE Select); coding-DNA position 1034, A replaced by G.
Protein change: p.Lys345Arg; replaces lysine 345 with arginine.
Molecular consequence: missense variant.
Genome position (GRCh38, 1-based): chr1:64,864,929, T>C on the plus strand (A>G on the coding strand, the complement: JAK1 is on the minus strand). VCF-style: chr1-64864929-T-C. GRCh37 (hg19) VCF-style: chr1-65330612-T-C.
Other names: c.1034A>G, p.Lys345Arg (NM_001320923.2, NM_001321852.2, NM_001321853.2 and 4 more transcripts); short protein forms K345R.
Identifiers: ClinVar variation 3010399 (VCV003010399.3), dbSNP rs1656596947, ClinGen allele CA340674067.